The following is an entry in ClinVar:

NM_001148.6(ANK2):c.7616A>T (p.Asp2539Val)

Genes: ANK2 (ankyrin 2; plus strand), LOC126807137 (CDK7 strongly-dependent group 2 enhancer GRCh37_chr4:114276560-114277759; plus strand). Cytogenetic location: 4q26.
Variant type: single nucleotide variant.
Coding change: c.7616A>T on transcript NM_001148.6 (MANE Select); coding-DNA position 7616, A replaced by T.
Protein change: p.Asp2539Val; replaces aspartic acid 2539 with valine.
Molecular consequence: missense variant. On other transcripts: intron variant (68).
Genome position (GRCh38, 1-based): chr4:113,356,234, A>T. VCF-style: chr4-113356234-A-T. GRCh37 (hg19) VCF-style: chr4-114277390-A-T.
Other names: c.7382A>T, p.Asp2461Val (NM_001386142.1); c.4016A>T, p.Asp1339Val (NM_001386166.1); c.7757A>T, p.Asp2586Val (NM_001386174.1); c.7733A>T, p.Asp2578Val (NM_001386175.1); c.4412-4589A>T (NM_001386186.2, NM_001386148.2); c.4214-4589A>T (NM_001354269.3); c.4292-4589A>T (NM_001386187.2); c.4253-4589A>T (NM_001386147.1); and 35 more; short protein forms D2461V, D2539V, D2586V, D1339V, D2578V.
Identifiers: ClinVar variation 2706795 (VCV002706795.4), dbSNP rs745427219, ClinGen allele CA357931051.

ClinVar aggregate classification (germline): Uncertain significance. Review status: criteria provided, multiple submitters, no conflicts (2 of 4 stars). 2 submissions from 2 submitters: Uncertain significance (2). Last evaluated 2024-09-29.

Conditions:
Long QT syndrome (LQTS). Identifiers: MedGen C0023976, MeSH D008133, MONDO:0002442. Disease mechanism: loss of function. Inheritance: Various modes of inheritance.

Submissions (2):

Labcorp Genetics (formerly Invitae), Labcorp
Classification: Uncertain significance for Long QT syndrome. Last evaluated: 2024-09-29. Review status: criteria provided, single submitter. Criteria: Invitae Variant Classification Sherloc (09022015). Collection method: clinical testing. Allele origin: germline.
Comment: This sequence change replaces aspartic acid, which is acidic and polar, with valine, which is neutral and non-polar, at codon 2539 of the ANK2 protein (p.Asp2539Val). This variant is not present in population databases (gnomAD no frequency). This variant has not been reported in the literature in individuals affected with ANK2-related conditions. Invitae Evidence Modeling of protein sequence and biophysical properties (such as structural, functional, and spatial information, amino acid conservation, physicochemical variation, residue mobility, and thermodynamic stability) indicates that this missense variant is expected to disrupt ANK2 protein function with a positive predictive value of 80%. In summary, the available evidence is currently insufficient to determine the role of this variant in disease. Therefore, it has been classified as a Variant of Uncertain Significance.

Blueprint Genetics
Classification: Uncertain significance. Last evaluated: 2023-08-21. Review status: criteria provided, single submitter. Criteria: ACMG Guidelines, 2015. Collection method: clinical testing. Allele origin: germline.